The following is an entry in ClinVar:

ClinVar aggregate classification (germline): Likely benign (1 of 4 stars; one submission).

Conditions:
GNAS-related disorder. Identifiers: MedGen CN380105.

gnomAD v4.1: 1 of 1,612,128 alleles (0.000062%); highest among the groups gnomAD compares: Non-Finnish European, 0.000085%; no homozygotes.

Submission:

PreventionGenetics, part of Exact Sciences
Classification: Likely benign for GNAS-related condition. Last evaluated: 2026-03-23. Review status: criteria provided, single submitter. Criteria: ACMG Guidelines, 2015. Collection method: clinical testing. Allele origin: germline.
Comment: This variant is classified as likely benign based on ACMG/AMP sequence variant interpretation guidelines (Richards et al. 2015 PMID: 25741868, with internal and published modifications).

NM_016592.5(GNAS):c.690C>T (p.Ser230=)

Genes: GNAS (GNAS complex locus; plus strand), GNAS-AS1 (GNAS antisense RNA 1; minus strand). Cytogenetic location: 20q13.32.
Variant type: single nucleotide variant.
Coding change: c.690C>T on transcript NM_016592.5 (MANE Plus Clinical); coding-DNA position 690, C replaced by T.
Protein change: p.Ser230=; no amino-acid change (serine 230 retained).
Molecular consequence: synonymous variant. On other transcripts: 5 prime UTR variant (1).
Genome position (GRCh38, 1-based): chr20:58,840,796, C>T. VCF-style: chr20-58840796-C-T. GRCh37 (hg19) VCF-style: chr20-57415851-C-T.
Other names: c.-48C>T (NM_001410912.1).
Identifiers: ClinVar variation 4996427 (VCV004996427.1).